The following is an entry in ClinVar:

NM_001164508.2(NEB):c.23929-1G>C

Genes: NEB (nebulin; minus strand), RIF1 (replication timing regulatory factor 1; plus strand). Cytogenetic location: 2q23.3.
Variant type: single nucleotide variant.
Coding change: c.23929-1G>C on transcript NM_001164508.2 (MANE Select); the canonical splice acceptor site of the intron before coding-DNA position 23929, G replaced by C.
Molecular consequence: splice acceptor variant. On other transcripts: intron variant (1).
Genome position (GRCh38, 1-based): chr2:151,501,484, C>G on the plus strand (G>C on the coding strand, the complement: NEB is on the minus strand). VCF-style: chr2-151501484-C-G. GRCh37 (hg19) VCF-style: chr2-152357998-C-G.
Other names: c.18825+1309G>C (NM_004543.5); c.23929-1G>C (NM_001164507.2); c.24034-1G>C (NM_001271208.2).
Identifiers: ClinVar variation 1066809 (VCV001066809.7), dbSNP rs2153074006, ClinGen allele CA348780786.

ClinVar aggregate classification (germline): Likely pathogenic (1 of 4 stars; one submission).

Conditions:
Nemaline myopathy 2 (NEM2). Also called: Nemaline myopathy 2, autosomal recessive. Identifiers: MedGen C1850569, MONDO:0009725, OMIM 256030.

Submission:

Labcorp Genetics (formerly Invitae), Labcorp
Classification: Likely pathogenic for Nemaline myopathy 2. Last evaluated: 2020-09-21. Review status: criteria provided, single submitter. Criteria: Invitae Variant Classification Sherloc (09022015). Collection method: clinical testing. Allele origin: germline.
Comment: In summary, the currently available evidence indicates that the variant is pathogenic, but additional data are needed to prove that conclusively. Therefore, this variant has been classified as Likely Pathogenic. Donor and acceptor splice site variants typically lead to a loss of protein function (PMID: 16199547), and loss-of-function variants in NEB are known to be pathogenic (PMID: 25205138). Algorithms developed to predict the effect of sequence changes on RNA splicing suggest that this variant may disrupt the consensus splice site, but this prediction has not been confirmed by published transcriptional studies. This variant has not been reported in the literature in individuals with NEB-related conditions. This variant is not present in population databases (ExAC no frequency). This sequence change affects an acceptor splice site in intron 168 of the NEB gene. It is expected to disrupt RNA splicing and likely results in an absent or disrupted protein product.

Literature cited by the submitters: PubMed 16199547; PubMed 25205138.